The following is an entry in ClinVar:

ClinVar aggregate classification (germline): Uncertain significance. Review status: criteria provided, multiple submitters, no conflicts (2 of 4 stars). 4 submissions from 4 submitters: Uncertain significance (4). Last evaluated 2025-11-12.

Conditions:
Inborn genetic diseases. Identifiers: MedGen C0950123, MeSH D030342.
MKS1-related disorder. Also called: MKS1-related condition; MKS1-related disorders. Identifiers: MedGen CN239382.
Bardet-Biedl syndrome 13 (BBS13). Identifiers: Orphanet 110, MedGen C2673873, MONDO:0014441, OMIM 615990.
Meckel syndrome, type 1 (MKS1). Also called: MECKEL-GRUBER SYNDROME, TYPE 1. Identifiers: Orphanet 564, MedGen C3714506, MONDO:0009571, OMIM 249000.
Joubert syndrome 28 (JBTS28). Identifiers: MedGen C4310705, MONDO:0014928, OMIM 617121.

gnomAD v4.1: 2 of 1,613,834 alleles (0.00012%); highest among the groups gnomAD compares: Non-Finnish European, 0.00017%; no homozygotes.

Submissions (4):

PreventionGenetics, part of Exact Sciences
Classification: Uncertain significance for MKS1-related condition. Last evaluated: 2025-11-12. Review status: criteria provided, single submitter. Criteria: ACMG Guidelines, 2015. Collection method: clinical testing. Allele origin: germline.
Comment: The MKS1 c.727A>T variant is predicted to result in the amino acid substitution p.Thr243Ser. To our knowledge, this variant has not been reported in the literature. This variant is reported in 0.00088% of alleles in individuals of European (Non-Finnish) descent in gnomAD. At this time, the clinical significance of this variant is uncertain due to the absence of conclusive functional and genetic evidence.

GeneDx
Classification: Uncertain significance. Last evaluated: 2025-08-10. Review status: criteria provided, single submitter. Criteria: GeneDx Variant Classification Process June 2021. Collection method: clinical testing. Allele origin: germline. Affected: yes.
Comment: Not observed at significant frequency in large population cohorts (gnomAD); In silico analysis suggests that this missense variant does not alter protein structure/function; Has not been previously published as pathogenic or benign to our knowledge

Ambry Genetics
Classification: Uncertain significance for Inborn genetic diseases. Last evaluated: 2024-11-15. Review status: criteria provided, single submitter. Criteria: Ambry Variant Classification Scheme 2023. Collection method: clinical testing. Allele origin: germline.

Fulgent Genetics
Classification: Uncertain significance for Meckel syndrome, type 1; Bardet-Biedl syndrome 13; Joubert syndrome 28. Last evaluated: 2024-02-04. Review status: criteria provided, single submitter. Criteria: ACMG Guidelines, 2015. Collection method: clinical testing. Allele origin: germline.

NM_017777.4(MKS1):c.727A>T (p.Thr243Ser)

Gene: MKS1 (MKS transition zone complex subunit 1; minus strand). Cytogenetic location: 17q22.
Variant type: single nucleotide variant.
Coding change: c.727A>T on transcript NM_017777.4 (MANE Select); coding-DNA position 727, A replaced by T.
Protein change: p.Thr243Ser; replaces threonine 243 with serine.
Molecular consequence: missense variant.
Genome position (GRCh38, 1-based): chr17:58,213,787, T>A on the plus strand (A>T on the coding strand, the complement: MKS1 is on the minus strand). VCF-style: chr17-58213787-T-A. GRCh37 (hg19) VCF-style: chr17-56291148-T-A.
Other names: c.118A>T, p.Thr40Ser (NM_001321268.2); c.727A>T, p.Thr243Ser (NM_001321269.2, NM_001330397.2, NM_001411113.1); short protein forms T243S, T40S.
Identifiers: ClinVar variation 3396489 (VCV003396489.4).